The following is an entry in ClinVar:

ClinVar aggregate classification (germline): Uncertain significance. Review status: criteria provided, multiple submitters, no conflicts (2 of 4 stars). 2 submissions from 2 submitters: Uncertain significance (2). Last evaluated 2023-12-05.

Conditions:
Familial thoracic aortic aneurysm and aortic dissection (TAAD). Also called: Thoracic aortic aneurysms and dissections. Identifiers: Orphanet 91387, MedGen C4707243, MONDO:0019625.
Ehlers-Danlos syndrome, type 4 (EDSVASC). Also called: Ehlers-Danlos Syndrome Type IV; Ehlers-Danlos syndrome vascular type; Ehlers Danlos syndrome, ecchymotic type; Ehlers Danlos syndrome, arterial type; Ehlers Danlos syndrome, Sack-Barabas type. Identifiers: Orphanet 286, MedGen C0268338, MONDO:0017314, OMIM 130050.

Submissions (2):

Color Diagnostics, LLC DBA Color Health
Classification: Uncertain significance for Familial thoracic aortic aneurysm and aortic dissection. Last evaluated: 2023-12-05. Review status: criteria provided, single submitter. Criteria: ACMG Guidelines, 2015. Collection method: clinical testing. Allele origin: germline.
Comment: This missense variant replaces aspartic acid with asparagine at codon 1252 of the COL3A1 protein. Computational prediction tools and conservation analyses are inconclusive regarding the impact of this variant on the protein function. Computational splicing tools suggest that this variant may not impact RNA splicing. To our knowledge, functional assays have not been performed for this variant nor has this variant been reported in individuals affected with cardiovascular disorders in the literature. This variant has not been identified in the general population by the Genome Aggregation Database (gnomAD). Available evidence is insufficient to determine the role of this variant in disease conclusively. Therefore, this variant is classified as a Variant of Uncertain Significance.

All of Us Research Program, National Institutes of Health
Classification: Uncertain significance for Ehlers-Danlos syndrome, type 4. Last evaluated: 2023-11-28. Review status: criteria provided, single submitter. Criteria: ACMG Guidelines, 2015. Collection method: clinical testing. Allele origin: germline. Inheritance: Autosomal dominant inheritance. Observed: 1 variant allele, 1 heterozygote.
Comment: This missense variant replaces aspartic acid with asparagine at codon 1252 of the COL3A1 protein. Computational prediction tools and conservation analyses are inconclusive regarding the impact of this variant on the protein function. Computational splicing tools suggest that this variant may not impact RNA splicing. To our knowledge, functional assays have not been performed for this variant nor has this variant been reported in individuals affected with cardiovascular disorders in the literature. This variant has not been identified in the general population by the Genome Aggregation Database (gnomAD). Available evidence is insufficient to determine the role of this variant in disease conclusively. Therefore, this variant is classified as a Variant of Uncertain Significance.

This study involves interpretation of variants in research participants for the purpose of population health screening. Participant phenotype was not available at the time of variant classification. Additional details can be found in publication PMID: 35346344, PMCID: PMC8962531

NM_000090.4(COL3A1):c.3754G>A (p.Asp1252Asn)

Gene: COL3A1 (collagen type III alpha 1 chain; plus strand). Cytogenetic location: 2q32.2.
Variant type: single nucleotide variant.
Coding change: c.3754G>A on transcript NM_000090.4 (MANE Select); coding-DNA position 3754, G replaced by A.
Protein change: p.Asp1252Asn; replaces aspartic acid 1252 with asparagine.
Molecular consequence: missense variant.
Genome position (GRCh38, 1-based): chr2:189,009,152, G>A. VCF-style: chr2-189009152-G-A. GRCh37 (hg19) VCF-style: chr2-189873878-G-A.
Other names: short protein forms D1252N.
Identifiers: ClinVar variation 919683 (VCV000919683.6), dbSNP rs1688664293, ClinGen allele CA349847522.